The following is an entry in ClinVar:

ClinVar aggregate classification (germline): Conflicting classifications of pathogenicity. Review status: criteria provided, conflicting classifications (1 of 4 stars). 18 submissions from 18 submitters: Uncertain significance (12); Likely benign (3). 3 of the submissions do not count toward it. Last evaluated 2026-06-05.

Conditions:
Inborn genetic diseases. Identifiers: MedGen C0950123, MeSH D030342.
POLG-related disorder. Also called: POLG-Related Spectrum Disorders; POLG-related condition; POLG-Related Disorders. Identifiers: MedGen C4763519.
Mitochondrial DNA depletion syndrome 4b. Also called: Mitochondrial Neurogastrointestinal Encephalopathy Disease, POLG-Related; MNGIE, POLG-RELATED. Identifiers: Orphanet 298, MedGen C3150914, MONDO:0013350, OMIM 613662.
Progressive sclerosing poliodystrophy (MTDPS4A). Also called: Alpers Syndrome; Mitochondrial DNA depletion syndrome 4A (Alpers type); ALPERS DIFFUSE DEGENERATION OF CEREBRAL GRAY MATTER WITH HEPATIC CIRRHOSIS; ALPERS PROGRESSIVE INFANTILE POLIODYSTROPHY; NEURONAL DEGENERATION OF CHILDHOOD WITH LIVER DISEASE, PROGRESSIVE; Alpers-Huttenlocher Syndrome. Identifiers: Orphanet 726, MedGen C0205710, MONDO:0008758, OMIM 203700.
Mitochondrial DNA depletion syndrome 1. Also called: Mitochondrial DNA depletion syndrome 1 (MNGIE type); Mitochondrial Neurogastrointestinal Encephalopathy Disease; Mitochondrial DNA Depletion Syndrome, MNGIE Form; Mitochondrial neurogastrointestinal encephalomyopathy syndrome; POLIP SYNDROME; POLYNEUROPATHY, OPHTHALMOPLEGIA, LEUKOENCEPHALOPATHY, AND INTESTINAL PSEUDOOBSTRUCTION. Identifiers: Orphanet 298, MedGen C4551995, MONDO:0011283, OMIM 603041.
Sensory ataxic neuropathy, dysarthria, and ophthalmoparesis (SANDO). Also called: Sensory ataxic neuropathy-dysarthria-ophthalmoparesis syndrome; Epilepsy, progressive myoclonic, type 5; SENSORY ATAXIC NEUROPATHY WITH MITOCHONDRIAL DNA DELETIONS, AUTOSOMAL RECESSIVE; Ataxia Neuropathy Spectrum (ANS). Identifiers: Orphanet 70595, MedGen C1843851, MONDO:0011835, OMIM 607459.
Progressive external ophthalmoplegia with mitochondrial DNA deletions, autosomal dominant 1 (PEOA1). Also called: PROGRESSIVE EXTERNAL OPHTHALMOPLEGIA, AUTOSOMAL DOMINANT 1; Autosomal Dominant Progressive External Ophthalmoplegia (adPEO). Identifiers: MedGen C1834846, MONDO:0024528, OMIM 157640.
Progressive external ophthalmoplegia with mitochondrial DNA deletions, autosomal recessive 1 (PEOB1). Also called: Progressive external ophthalmoplegia, autosomal recessive 1; Autosomal Recessive Progressive External Ophthalmoplegia (arPEO). Identifiers: Orphanet 254886, MedGen C4225153, MONDO:0009783, OMIM 258450.
Hereditary spastic paraplegia. Also called: Familial spastic paraparesis. Identifiers: Orphanet 685, MedGen C0037773, MONDO:0019064. Disease mechanism: loss of function.
Intellectual disability. Also called: Intellectual developmental disorder; Intellectual functioning disability; intellectual disabilities. Identifiers: MedGen C3714756, MeSH D008607, MONDO:0001071, HP:0001249.

Allele frequency attached by ClinVar (database versions not stated): ExAC 0.00018; TOPMed 0.00028; gnomAD 0.00016; gnomAD exomes 0.00017.
gnomAD v4.1: 746 of 1,536,106 alleles (0.049%); highest among the groups gnomAD compares: Non-Finnish European, 0.061%; 1 homozygote.

Submissions 1 to 7 of 18:

Ambry Genetics
Classification: Uncertain significance for Inborn genetic diseases. Last evaluated: 2026-06-05. Review status: criteria provided, single submitter. Criteria: Ambry Variant Classification Scheme 2023. Collection method: clinical testing. Allele origin: germline.
Comment: The c.32G>A (p.G11D) alteration is located in exon 2 (coding exon 1) of the POLG gene. This alteration results from a G to A substitution at nucleotide position 32, causing the glycine (G) at amino acid position 11 to be replaced by an aspartic acid (D). Based on data from gnomAD, the A allele has an overall frequency of 0.02% (27/162250) total alleles studied. The highest observed frequency was 0.04% (23/64876) of European (non-Finnish) alleles. This variant was confirmed in cis with p.R852C in three individuals with a third POLG variant in trans; two individuals presented with epilepsy and hepatopathy and the third had a clinical diagnosis of polymerase gamma-1 deficiency (Ashley, 2008; Blankenberg, 2012). It was also identified in cis with p.R627Q and in trans with p.R852C in an individual with seizures, liver dysfunction, and progressive external ophthalmoplegia (Wong, 2008). The p.G11D alteration is predicted to be tolerated by in silico analysis. Based on insufficient or conflicting evidence, the clinical significance of this alteration remains unclear.

PreventionGenetics, part of Exact Sciences
Classification: Uncertain significance for POLG-related condition. Last evaluated: 2026-04-16. Review status: criteria provided, single submitter. Criteria: ACMG Guidelines, 2015. Collection method: clinical testing. Allele origin: germline.
Comment: The POLG c.32G>A variant is predicted to result in the amino acid substitution p.Gly11Asp. This variant has been reported in multiple individuals with POLG-related disorders; however, it is almost exclusively seen on the same allele (in cis) with the known pathogenic variant p.Arg852Cys (Calvo et al. 2010. PubMed ID: 20818383; Ashley et al. 2008. PubMed ID: 18487244; Stewart et al. 2009. PubMed ID: 19251978; Wong et al. 2008. PubMed ID: 18546365). In many patients with the [G11D;R852C] allele, an additional POLG variant is reported on the opposite allele indicating recessive inheritance (Squires et al. 2023. PubMed ID: 37184518:Martin-Saavedra et al. 2021. PubMed ID: 34052969). It has been suggested in some reports that the p.Gly11Asp variant may have a synergistic effect when also present with the p.Arg852Cys variant; however, conclusive evidence for this proposal is not available (Ashley et al. 2008. PubMed ID: 18487244; Stewart et al. 2009. PubMed ID: 19251978; Wong et al. 2008. PubMed ID: 18546365). The c.32G>A variant is reported in 0.035% of alleles in individuals of European (Non-Finnish) descent in gnomAD and has conflicting interpretations in ClinVar ranging from uncertain to likely benign (Variation ID: 195182). At this time, the clinical significance of this variant is uncertain due to the absence of conclusive functional and genetic evidence.

Labcorp Genetics (formerly Invitae), Labcorp
Classification: Uncertain significance for Progressive sclerosing poliodystrophy. Last evaluated: 2026-02-02. Review status: criteria provided, single submitter. Criteria: Invitae Variant Classification Sherloc (09022015). Collection method: clinical testing. Allele origin: germline.
Comment: This sequence change replaces glycine, which is neutral and non-polar, with aspartic acid, which is acidic and polar, at codon 11 of the POLG protein (p.Gly11Asp). This variant is present in population databases (rs765472726, gnomAD 0.04%). This missense change has been observed in individual(s) with POLG-related disorders, however these individuals also carried an additional pathogenic POLG variant on the same allele (in cis) (PMID: 18487244, 19251978, 21880868, 22494076). ClinVar contains an entry for this variant (Variation ID: 195182). Invitae Evidence Modeling of protein sequence and biophysical properties (such as structural, functional, and spatial information, amino acid conservation, physicochemical variation, residue mobility, and thermodynamic stability) indicates that this missense variant is not expected to disrupt POLG protein function with a negative predictive value of 95%. In summary, the available evidence is currently insufficient to determine the role of this variant in disease. Therefore, it has been classified as a Variant of Uncertain Significance.

Mayo Clinic Laboratories, Mayo Clinic
Classification: Likely benign. Last evaluated: 2025-07-19. Review status: criteria provided, single submitter. Criteria: ACMG Guidelines, 2015. Collection method: clinical testing. Allele origin: germline. Observed: 4 variant alleles.
Comment: BP2, BP5

Blueprint Genetics
Classification: Likely benign. Last evaluated: 2024-07-09. Review status: criteria provided, single submitter. Criteria: ACMG Guidelines, 2015. Collection method: clinical testing. Allele origin: germline.

Daryl Scott Lab, Baylor College of Medicine
Classification: Uncertain significance for POLG-related disorder. Last evaluated: 2024-04-01. Review status: criteria provided, single submitter. Criteria: ACMG Guidelines, 2015. Collection method: clinical testing. Allele origin: unknown. Observed: 1 compound heterozygote.
Comment: PM3

Women's Health and Genetics/Laboratory Corporation of America, LabCorp
Classification: Uncertain significance. Last evaluated: 2024-03-26. Review status: criteria provided, single submitter. Criteria: LabCorp Variant Classification Summary - May 2015. Collection method: clinical testing. Allele origin: germline.
Comment: Variant summary: POLG c.32G>A (p.Gly11Asp) results in a non-conservative amino acid change in the encoded protein sequence. Three of four in-silico tools predict a benign effect of the variant on protein function. The variant allele was found at a frequency of 0.00017 in 130892 control chromosomes. c.32G>A has been reported in the literature in individuals affected with features of POLG-Related Spectrum Disorders (e.g. Ashley_2008, Wong_2008, Stewart_2009, Naess_2009, Calvo_2010, Mehta_2011, Tang_2011, Vasta_1012, Alves_2020, Hikmat_2020, Martin-Saavedra_2022). These reports do not provide unequivocal conclusions about association of the variant with POLG-Related Spectrum Disorders. Co-occurrences with other pathogenic variants in cis were reported in many patients (POLG c.2554C>T, p.Arg852Cys; POLG c.1880G>A, p.Arg627Gln), providing supporting evidence for a benign role. To our knowledge, no experimental evidence demonstrating an impact on protein function has been reported. The following publications have been ascertained in the context of this evaluation (PMID: 18487244, 18546365, 19251978, 19103152, 20818383, 21880868, 22494076, 21259344, 32391929, 32445240, 34052969). ClinVar contains an entry for this variant (Variation ID: 195182). Based on the evidence outlined above, the variant was classified as uncertain significance.

NM_002693.3(POLG):c.32G>A (p.Gly11Asp)

Genes: POLG (DNA polymerase gamma, catalytic subunit; minus strand), POLGARF (POLG alternative reading frame; minus strand). Cytogenetic location: 15q26.1.
Variant type: single nucleotide variant.
Coding change: c.32G>A on transcript NM_002693.3 (MANE Select); coding-DNA position 32, G replaced by A.
Protein change: p.Gly11Asp; replaces glycine 11 with aspartic acid.
Molecular consequence: missense variant.
Genome position (GRCh38, 1-based): chr15:89,333,723, C>T on the plus strand (G>A on the coding strand, the complement: POLG is on the minus strand). VCF-style: chr15-89333723-C-T. GRCh37 (hg19) VCF-style: chr15-89876954-C-T.
Other names: p.Gly11Asp; c.32G>A, p.Gly11Asp (NM_001126131.2); short protein forms G11D.
Identifiers: ClinVar variation 195182 (VCV000195182.65), dbSNP rs765472726, ClinGen allele CA302812.